The following is an entry in ClinVar:

ClinVar aggregate classification (germline): Benign. Review status: criteria provided, multiple submitters, no conflicts (2 of 4 stars). 3 submissions from 3 submitters: Benign (3). Last evaluated 2024-07-15.

Allele frequency attached by ClinVar (database versions not stated): gnomAD 0.30997 and 0.31913; TOPMed 0.33694; 1000 Genomes Project 30x 0.43239; 1000 Genomes Project 0.44349.
gnomAD v4.1: 404,409 of 1,355,328 alleles (30%); highest among the groups gnomAD compares: East Asian, 85%; 70,367 homozygotes.

Submissions (3):

Unidad de Genómica Garrahan, Hospital de Pediatría Garrahan
Classification: Benign. Last evaluated: 2024-07-15. Review status: criteria provided, single submitter. Criteria: ACMG Guidelines, 2015. Collection method: clinical testing. Allele origin: germline. Affected: no. Observed: 62 variant alleles.
Comment: This variant is classified as Benign based on local population frequency. This variant was detected in 67% of patients studied in a panel designed for Epileptic and Developmental Encephalopathy and Progressive Myoclonus Epilepsy. Number of patients: 62. Only high quality variants are reported.

GeneDx
Classification: Benign. Last evaluated: 2018-06-23. Review status: criteria provided, single submitter. Criteria: GeneDx Variant Classification Process June 2021. Collection method: clinical testing. Allele origin: germline. Affected: yes.

Breakthrough Genomics
Classification: Benign. Review status: criteria provided, single submitter. Criteria: ACMG Guidelines, 2015. Collection method: not provided. Allele origin: germline. Inheritance: Autosomal recessive inheritance. Affected: yes.

NM_001482.3(GATM):c.70-77C>T

Gene: GATM (glycine amidinotransferase; minus strand). Cytogenetic location: 15q21.1.
Variant type: single nucleotide variant.
Coding change: c.70-77C>T on transcript NM_001482.3 (MANE Select); 77 bases into the intron before coding-DNA position 70, C replaced by T.
Molecular consequence: intron variant.
Genome position (GRCh38, 1-based): chr15:45,376,896, G>A on the plus strand (C>T on the coding strand, the complement: GATM is on the minus strand). VCF-style: chr15-45376896-G-A. GRCh37 (hg19) VCF-style: chr15-45669094-G-A.
Other names: c.-318-77C>T (NM_001321015.2).
Identifiers: ClinVar variation 1249916 (VCV001249916.5), dbSNP rs12437887, ClinGen allele CA14169908.